The following is an entry in ClinVar:

NM_001134382.3(IQSEC1):c.1023G>C (p.Thr341=)

Gene: IQSEC1 (IQ motif and Sec7 domain ArfGEF 1; minus strand). Cytogenetic location: 3p25.2.
Variant type: single nucleotide variant.
Coding change: c.1023G>C on transcript NM_001134382.3 (MANE Select); coding-DNA position 1023, G replaced by C.
Protein change: p.Thr341=; no amino-acid change (threonine 341 retained).
Molecular consequence: synonymous variant.
Genome position (GRCh38, 1-based): chr3:12,935,993, C>G on the plus strand (G>C on the coding strand, the complement: IQSEC1 is on the minus strand). VCF-style: chr3-12935993-C-G. GRCh37 (hg19) VCF-style: chr3-12977493-C-G.
Other names: c.699G>C, p.Thr233= (NM_001330619.3); c.1347G>C, p.Thr449= (NM_001376938.2); c.1065G>C, p.Thr355= (NM_014869.8).
Identifiers: ClinVar variation 2653559 (VCV002653559.24), dbSNP rs773884376, ClinGen allele CA432808780.
Genomic context (GRCh38, chr3:12,935,993, plus strand): 5'-CTCCACCCGCAGCCGCTGCTCCTGCCGCTCCAGCGACGGCGTGCTCCGGCAGCTCGTGTC[C>G]GTGTCAGCCTTGTCCTCTTTGTGGGCCAGGGCCCAGTAGTCTGGGGCTGCGCCCCCAGCC-3'
Protein context (NP_001127854.1, residues 331-351): ALAHKEDKAD[Thr341=]DTSCRSTPSL

ClinVar aggregate classification (germline): Likely benign (1 of 4 stars; one submission).

Submission:

CeGaT Center for Human Genetics Tuebingen
Classification: Likely benign. Last evaluated: 2022-04-01. Review status: criteria provided, single submitter. Criteria: CeGaT Center For Human Genetics Tuebingen Variant Classification Criteria Version 2. Collection method: clinical testing. Allele origin: germline. Affected: yes. Observed: 1 variant allele.
Comment: IQSEC1: BP4, BP7